The following is an entry in ClinVar:

NM_001863.5(COX6B1):c.247C>T (p.Pro83Ser)

Gene: COX6B1 (cytochrome c oxidase subunit 6B1; plus strand). Cytogenetic location: 19q13.12.
Variant type: single nucleotide variant.
Coding change: c.247C>T on transcript NM_001863.5 (MANE Select); coding-DNA position 247, C replaced by T.
Protein change: p.Pro83Ser; replaces proline 83 with serine.
Molecular consequence: missense variant.
Genome position (GRCh38, 1-based): chr19:35,658,633, C>T. VCF-style: chr19-35658633-C-T. GRCh37 (hg19) VCF-style: chr19-36149535-C-T.
Other names: c.247C>T, p.Pro83Ser (LRG_1246t1); short protein forms P83S.
Identifiers: ClinVar variation 214276 (VCV000214276.9), dbSNP rs111638609, ClinGen allele CA322793.

ClinVar aggregate classification (germline): Uncertain significance. Review status: criteria provided, multiple submitters, no conflicts (2 of 4 stars). 5 submissions from 5 submitters: Uncertain significance (5). Last evaluated 2024-01-30.

Conditions:
Mitochondrial complex IV deficiency, nuclear type 7. Also called: Mitochondrial complex 4 deficiency, nuclear type 7. Identifiers: MedGen C5436685, MONDO:0033637, OMIM 619051.
Inborn genetic diseases. Identifiers: MedGen C0950123, MeSH D030342.
Mitochondrial complex IV deficiency, nuclear type 1 (MC4DN1). Also called: Complex 4 mitochondrial respiratory chain deficiency; Deficiency of mitochondrial respiratory chain complex4; Complex IV deficiency; COX DEFICIENCY; Mitochondrial complex IV deficiency. Identifiers: MedGen C5435656, MONDO:0700250, OMIM 220110. Disease mechanism: loss of function.

Allele frequency attached by ClinVar (database versions not stated): ExAC 0.00007; gnomAD exomes 0.00012 and 0.00030; gnomAD 0.00013 and 0.00014; ESP Exome Variant Server 0.00015; TOPMed 0.00024.

Submissions (5):

Ambry Genetics
Classification: Uncertain significance for Inborn genetic diseases. Last evaluated: 2024-01-30. Review status: criteria provided, single submitter. Criteria: Ambry Variant Classification Scheme 2023. Collection method: clinical testing. Allele origin: germline.

Daryl Scott Lab, Baylor College of Medicine
Classification: Uncertain significance for Mitochondrial complex IV deficiency, nuclear type 7. Last evaluated: 2024-01-01. Review status: criteria provided, single submitter. Criteria: ACMG Guidelines, 2015. Collection method: clinical testing. Allele origin: unknown. Observed: 1 heterozygote.
Comment: PP3

Labcorp Genetics (formerly Invitae), Labcorp
Classification: Uncertain significance. Last evaluated: 2022-07-15. Review status: criteria provided, single submitter. Criteria: Invitae Variant Classification Sherloc (09022015). Collection method: clinical testing. Allele origin: germline.
Comment: This sequence change replaces proline, which is neutral and non-polar, with serine, which is neutral and polar, at codon 83 of the COX6B1 protein (p.Pro83Ser). This variant is present in population databases (rs111638609, gnomAD 0.02%). This variant has not been reported in the literature in individuals affected with COX6B1-related conditions. ClinVar contains an entry for this variant (Variation ID: 214276). Algorithms developed to predict the effect of missense changes on protein structure and function (SIFT, PolyPhen-2, Align-GVGD) all suggest that this variant is likely to be disruptive. In summary, the available evidence is currently insufficient to determine the role of this variant in disease. Therefore, it has been classified as a Variant of Uncertain Significance.

Illumina Laboratory Services, Illumina
Classification: Uncertain significance for Mitochondrial complex IV deficiency, nuclear type 1. Last evaluated: 2018-01-13. Review status: criteria provided, single submitter. Criteria: ICSL Variant Classification Criteria 13 December 2019. Collection method: clinical testing. Allele origin: germline.

GeneDx
Classification: Uncertain significance. Last evaluated: 2016-11-02. Review status: criteria provided, single submitter. Criteria: GeneDx Variant Classification (06012015). Collection method: clinical testing. Allele origin: germline. Affected: yes.
Comment: p.Pro83Ser (CCC>TCC): c.247 C>T in exon 4 in the COX6B1 gene (NM_001863.4). The P83S variant in the COX6B1 gene has not been published as a mutation, nor has it been reported as a benign polymorphism to our knowledge. The P83S variant was not observed with any significant frequency in approximately 6500 individuals of European and African American ancestry in the NHLBI Exome Sequencing Project. The P83S variant is a non-conservative amino acid substitution, which is likely to impact secondary protein structure as these residues differ in polarity, charge, size and/or other properties. This substitution occurs at a position that is conserved across species. In silico analysis is inconsistent in its predictions as to whether or not the variant is damaging to the protein structure/function. A missense mutation in a nearby residue (T81P) has been reported in association with mitochondrial complex IV deficiency, supporting the functional importance of this region of the protein. Therefore, based on the currently available information, it is unclear whether this variant is a pathogenic mutation or a rare benign variant. The variant is found in MITONUC-MITOP panel(s).